The following is an entry in ClinVar:

NM_000532.5(PCCB):c.734GTG[1] (p.Gly246del)

Gene: PCCB (propionyl-CoA carboxylase subunit beta; plus strand). Cytogenetic location: 3q22.3.
Variant type: Microsatellite.
Coding change: c.734GTG[1] on transcript NM_000532.5 (MANE Select); one copy of the 3-base unit GTG starting at c.734; the reference has two copies in a row; one copy, 3 bases deleted; also written c.737_739del.
Protein change: p.Gly246del; deletes glycine 246.
Molecular consequence: inframe deletion.
Genome position (GRCh38, 1-based): chr3:136,293,838-136,293,840, GTG deleted; deleting any 3 consecutive bases within chr3:136,293,834-136,293,840 gives the same sequence; the position shown is the placement nearest the transcript's 3' end. VCF-style (leftmost placement, unchanged base first): chr3-136293833-CGGT-C. GRCh37 (hg19) VCF-style: chr3-136012675-CGGT-C.
Other names: c.794GTG[1], p.Gly266del (NM_001178014.2); c.737_739del (NM_000532.4); short protein forms G246del, G266del.
Identifiers: ClinVar variation 551357 (VCV000551357.8), dbSNP rs1553778892, ClinGen allele CA658821357.

ClinVar aggregate classification (germline): Uncertain significance. Review status: criteria provided, single submitter (1 of 4 stars). 2 submissions from 2 submitters: Uncertain significance (1). 1 of the submissions does not count toward it. Last evaluated 2021-08-31.

Conditions:
Propionic acidemia (PROP). Also called: GLYCINEMIA, KETOTIC; HYPERGLYCINEMIA WITH KETOACIDOSIS AND LEUKOPENIA; KETOTIC HYPERGLYCINEMIA. Identifiers: Orphanet 35, MedGen C0268579, MONDO:0011628, OMIM 606054, HP:0003571.

Submissions (2):

Labcorp Genetics (formerly Invitae), Labcorp
Classification: Uncertain significance for Propionic acidemia. Last evaluated: 2021-08-31. Review status: criteria provided, single submitter. Criteria: Invitae Variant Classification Sherloc (09022015). Collection method: clinical testing. Allele origin: germline.
Comment: This variant, c.737_739del, results in the deletion of 1 amino acid(s) of the PCCB protein (p.Gly246del), but otherwise preserves the integrity of the reading frame. This variant is not present in population databases (ExAC no frequency). This variant has been observed in individual(s) with propionic acidemia (Invitae). In summary, the available evidence is currently insufficient to determine the role of this variant in disease. Therefore, it has been classified as a Variant of Uncertain Significance.

Counsyl
Classification: Uncertain significance for Propionic acidemia. Last evaluated: 2017-04-03. Review status: no assertion criteria provided. Collection method: clinical testing. Allele origin: unknown. Not counted in ClinVar's aggregate classification.